The following is an entry in ClinVar:

NM_004655.4(AXIN2):c.1319A>C (p.Asp440Ala)

Gene: AXIN2 (axin 2; minus strand). Cytogenetic location: 17q24.1.
Variant type: single nucleotide variant.
Coding change: c.1319A>C on transcript NM_004655.4 (MANE Select); coding-DNA position 1319, A replaced by C.
Protein change: p.Asp440Ala; replaces aspartic acid 440 with alanine.
Molecular consequence: missense variant.
Genome position (GRCh38, 1-based): chr17:65,537,717, T>G on the plus strand (A>C on the coding strand, the complement: AXIN2 is on the minus strand). VCF-style: chr17-65537717-T-G. GRCh37 (hg19) VCF-style: chr17-63533835-T-G.
Other names: c.1319A>C, p.Asp440Ala (NM_001363813.1); short protein forms D440A.
Identifiers: ClinVar variation 1769840 (VCV001769840.2), dbSNP rs2509416861, ClinGen allele CA400677741.

ClinVar aggregate classification (germline): Uncertain significance (1 of 4 stars; one submission).

Conditions:
Hereditary cancer-predisposing syndrome. Also called: Hereditary Cancer Syndrome; Hereditary neoplastic syndrome; Neoplastic Syndromes, Hereditary; Tumor predisposition. Identifiers: Orphanet 140162, MedGen C0027672, MeSH D009386, MONDO:0015356.

Submission:

Ambry Genetics
Classification: Uncertain significance for Hereditary cancer-predisposing syndrome. Last evaluated: 2022-06-21. Review status: criteria provided, single submitter. Criteria: Ambry Variant Classification Scheme 2023. Collection method: clinical testing. Allele origin: germline.
Comment: The p.D440A variant (also known as c.1319A>C), located in coding exon 5 of the AXIN2 gene, results from an A to C substitution at nucleotide position 1319. The aspartic acid at codon 440 is replaced by alanine, an amino acid with dissimilar properties. This amino acid position is conserved. In addition, this alteration is predicted to be deleterious by in silico analysis. Since supporting evidence is limited at this time, the clinical significance of this alteration remains unclear.